The following is an entry in ClinVar:

NM_001256182:c.7545delG

Gene: ANKRD11 (ankyrin repeat domain 11; minus strand). Cytogenetic location: 16q24.3.
Variant type: Deletion.
Identifiers: ClinVar variation 246603 (VCV000246603.2).

ClinVar aggregate classification (germline): Pathogenic (0 of 4 stars; one submission).

Conditions:
KBG syndrome (KBGS). Also called: ANKRD11-Related KBG Syndrome. Identifiers: Orphanet 2332, MedGen C0220687, MONDO:0007846, OMIM 148050.

Submission:

Centre de Biologie Pathologie Génétique, Centre Hospitalier Universitaire de Lille
Classification: Pathogenic for KBG syndrome. Last evaluated: 2016-01-10. Review status: no assertion criteria provided. Collection method: research. Allele origin: maternal. Inheritance: X-linked inheritance. Affected: yes. Observed: 1 variant allele, 1 hemizygote.
Comment: KBG phenotype